The following is an entry in ClinVar:

NM_004560.4(ROR2):c.2203C>T (p.Arg735Trp)

Gene: ROR2 (ROR family WNT receptor 2; minus strand). Cytogenetic location: 9q22.31.
Variant type: single nucleotide variant.
Coding change: c.2203C>T on transcript NM_004560.4 (MANE Select); coding-DNA position 2203, C replaced by T.
Protein change: p.Arg735Trp; replaces arginine 735 with tryptophan.
Molecular consequence: missense variant.
Genome position (GRCh38, 1-based): chr9:91,724,291, G>A on the plus strand (C>T on the coding strand, the complement: ROR2 is on the minus strand). VCF-style: chr9-91724291-G-A. GRCh37 (hg19) VCF-style: chr9-94486573-G-A.
Other names: c.2203C>T (NM_004560.3); short protein forms R735W.
Identifiers: ClinVar variation 1463531 (VCV001463531.9), dbSNP rs761169064, ClinGen allele CA5120460.
Genomic context (GRCh38, chr9:91,724,291, plus strand): 5'-AGTTGGAAAGGTTGCCCCAGGCTCGGAGCCGGCTGTGGATGTCCTTGAAGCGGGGCCGCC[G>A]GCTGGGGAACTCGTTCCAGCACTCGATCATGAGGGCATACACCCAGGCGGGACAGTCATC-3'
Protein context (NP_004551.2, residues 725-745): MIECWNEFPS[Arg735Trp]RPRFKDIHSR

ClinVar aggregate classification (germline): Uncertain significance. Review status: criteria provided, multiple submitters, no conflicts (2 of 4 stars). 2 submissions from 2 submitters: Uncertain significance (2). Last evaluated 2025-02-10.

Conditions:
ROR2-related disorder. Also called: ROR2-related condition; ROR2-related disorders.

Allele frequency attached by ClinVar (database versions not stated): TOPMed below 0.00001; ExAC 0.00001; gnomAD 0.00001; gnomAD exomes 0.00002.

Submissions (2):

PreventionGenetics, part of Exact Sciences
Classification: Uncertain significance for ROR2-related condition. Last evaluated: 2025-02-10. Review status: criteria provided, single submitter. Criteria: ACMG Guidelines, 2015. Collection method: clinical testing. Allele origin: germline.
Comment: The ROR2 c.2203C>T variant is predicted to result in the amino acid substitution p.Arg735Trp. This variant has been reported as inherited in an individual with congenital heart defects (Table S5, Meerschaut et al. 2022. PubMed ID: 35885997). This variant is reported in 0.0098% of alleles in individuals of South Asian descent in gnomAD. At this time, the clinical significance of this variant is uncertain due to the absence of conclusive functional and genetic evidence.

Labcorp Genetics (formerly Invitae), Labcorp
Classification: Uncertain significance. Last evaluated: 2021-05-08. Review status: criteria provided, single submitter. Criteria: Invitae Variant Classification Sherloc (09022015). Collection method: clinical testing. Allele origin: germline.
Comment: In summary, the available evidence is currently insufficient to determine the role of this variant in disease. Therefore, it has been classified as a Variant of Uncertain Significance. Advanced modeling of protein sequence and biophysical properties (such as structural, functional, and spatial information, amino acid conservation, physicochemical variation, residue mobility, and thermodynamic stability) performed at Invitae indicates that this missense variant is not expected to disrupt ROR2 protein function. This variant has not been reported in the literature in individuals with ROR2-related conditions. This variant is present in population databases (rs761169064, ExAC 0.006%). This sequence change replaces arginine with tryptophan at codon 735 of the ROR2 protein (p.Arg735Trp). The arginine residue is highly conserved and there is a moderate physicochemical difference between arginine and tryptophan.